The following is an entry in ClinVar:

NM_003628.6(PKP4):c.1777G>A (p.Ala593Thr)

Gene: PKP4 (plakophilin 4; plus strand). Cytogenetic location: 2q24.1.
Variant type: single nucleotide variant.
Coding change: c.1777G>A on transcript NM_003628.6 (MANE Select); coding-DNA position 1777, G replaced by A.
Protein change: p.Ala593Thr; replaces alanine 593 with threonine.
Molecular consequence: missense variant.
Genome position (GRCh38, 1-based): chr2:158,642,567, G>A. VCF-style: chr2-158642567-G-A. GRCh37 (hg19) VCF-style: chr2-159499079-G-A.
Other names: c.1777G>A, p.Ala593Thr (NM_001005476.4, NM_001304971.2, NM_001377218.1 and 1 more transcripts); c.1774G>A, p.Ala592Thr (NM_001304969.3, NM_001377219.1, NM_001377220.1 and 2 more transcripts); c.748G>A, p.Ala250Thr (NM_001304970.3); c.1771G>A, p.Ala591Thr (NM_001377222.1, NM_001377223.1); c.1768G>A, p.Ala590Thr (NM_001377224.1); short protein forms A590T, A592T, A591T, A593T, A250T.
Identifiers: ClinVar variation 1779903 (VCV001779903.2), dbSNP rs2529702238, ClinGen allele CA348912808.

ClinVar aggregate classification (germline): Uncertain significance (1 of 4 stars; one submission).

Allele frequency attached by ClinVar (database versions not stated): gnomAD exomes below 0.00001.
gnomAD v4.1: 2 of 1,613,810 alleles (0.00012%); highest among the groups gnomAD compares: Non-Finnish European, 0.00017%; no homozygotes.

Submission:

Ambry Genetics
Classification: Uncertain significance. Last evaluated: 2021-10-16. Review status: criteria provided, single submitter. Criteria: Ambry Variant Classification Scheme 2023. Collection method: clinical testing. Allele origin: germline.
Comment: The p.A593T variant (also known as c.1777G>A), located in coding exon 10 of the PKP4 gene, results from a G to A substitution at nucleotide position 1777. The alanine at codon 593 is replaced by threonine, an amino acid with similar properties. This amino acid position is conserved. In addition, the in silico prediction for this alteration is inconclusive. Since supporting evidence is limited at this time, the clinical significance of this alteration remains unclear.